The following is an entry in ClinVar:

NM_001048174.2(MUTYH):c.914-9C>T

Gene: MUTYH (mutY DNA glycosylase; minus strand). Cytogenetic location: 1p34.1.
Variant type: single nucleotide variant.
Coding change: c.914-9C>T on transcript NM_001048174.2 (MANE Select); 9 bases into the intron before coding-DNA position 914, C replaced by T.
Molecular consequence: intron variant.
Genome position (GRCh38, 1-based): chr1:45,331,858, G>A on the plus strand (C>T on the coding strand, the complement: MUTYH is on the minus strand). VCF-style: chr1-45331858-G-A. GRCh37 (hg19) VCF-style: chr1-45797530-G-A.
Other names: c.569-9C>T (NM_001350651.2, NM_001350650.2); c.638-9C>T (NM_001293192.2, NM_001293196.2); c.914-9C>T (NM_001048171.2, NM_001048173.2, NM_001293195.2); c.959-9C>T (NM_001293190.2); c.989-9C>T (NM_012222.3); c.998-9C>T (NM_001128425.2); c.917-9C>T (NM_001048172.2); c.947-9C>T (NM_001293191.2).
Identifiers: ClinVar variation 132703 (VCV000132703.99), dbSNP rs3219488, ClinGen allele CA014799.

ClinVar aggregate classification (germline): Conflicting classifications of pathogenicity. Review status: criteria provided, conflicting classifications (1 of 4 stars). 21 submissions from 20 submitters: Uncertain significance (6); Benign (1); Likely benign (13). 1 of the submissions does not count toward it. Last evaluated 2026-04-20.

Conditions:
Hereditary cancer-predisposing syndrome. Also called: Tumor predisposition; Hereditary neoplastic syndrome; Neoplastic Syndromes, Hereditary; Hereditary Cancer Syndrome. Identifiers: Orphanet 140162, MedGen C0027672, MeSH D009386, MONDO:0015356.
Carcinoma of colon (CRC). Also called: Colon carcinoma; Colonic carcinoma. Identifiers: MedGen C0699790, MONDO:0002032.
Familial adenomatous polyposis 2. Also called: MUTYH-related attenuated familial adenomatous polyposis; MYH-associated polyposis; FAP type 2; Adenomas, multiple colorectal; COLORECTAL ADENOMATOUS POLYPOSIS, AUTOSOMAL RECESSIVE; MUTYH-associated polyposis. Identifiers: Orphanet 220460, Orphanet 247798, MedGen C3272841, MONDO:0012041, OMIM 608456.

Allele frequency attached by ClinVar (database versions not stated): 1000 Genomes Project 30x 0.00031; ESP Exome Variant Server 0.00031; TOPMed 0.00035; gnomAD exomes 0.00039 and 0.00043; 1000 Genomes Project 0.00040; gnomAD 0.00044 and 0.00045; ExAC 0.00048.
gnomAD v4.1: 678 of 1,599,490 alleles (0.042%); highest among the groups gnomAD compares: Admixed American, 0.071%; 1 homozygote.

Submissions (21):

Women's Health and Genetics/Laboratory Corporation of America, LabCorp
Classification: Likely benign. Last evaluated: 2026-04-20. Review status: criteria provided, single submitter. Criteria: LabCorp Variant Classification Summary - May 2015. Collection method: clinical testing. Allele origin: germline.
Comment: Variant summary: MUTYH c.998-9C>T alters a nucleotide located at a position not widely known to affect splicing. Consensus agreement among computation tools predict no significant impact on normal splicing. However, these predictions have yet to be confirmed by functional studies. The variant allele was found at a frequency of 0.00039 in 224190 control chromosomes. This frequency is not significantly higher than estimated for disease-causing variants in MUTYH, allowing no conclusion about variant significance. c.998-9C>T has been reported in the literature in individuals affected with colorectal/breast cancer (example, Aretz_2006, Kury_2007, Sulova_2007, Yurgelun_2015, Tung_2015). These report(s) do not provide unequivocal conclusions about association of the variant with MUTYH-Associated Polyposis. To our knowledge, no experimental evidence demonstrating an impact on protein function has been reported. The following publications have been ascertained in the context of this evaluation (PMID: 16557584, 17931073, 17524638, 25186627, 25980754, 20725929, 38806232, 34326862, 32386558, 17368238). ClinVar contains an entry for this variant (Variation ID: 132703). Based on the evidence outlined above, the variant was classified as likely benign.

Labcorp Genetics (formerly Invitae), Labcorp
Classification: Likely benign for Familial adenomatous polyposis 2. Last evaluated: 2026-02-03. Review status: criteria provided, single submitter. Criteria: Invitae Variant Classification Sherloc (09022015). Collection method: clinical testing. Allele origin: germline.

Dasa
Classification: Likely benign. Last evaluated: 2025-12-02. Review status: criteria provided, single submitter. Criteria: DASA Assertion Criteria. Collection method: clinical testing. Allele origin: germline.
Comment: NM_001048174.2(MUTYH):c.914-9C>T is a splice-region variant. Observations in unaffected individuals support a benign interpretation. Computational prediction algorithms are consistent with a benign effect. Therefore, based on the currently available evidence, this variant is classified as likely benign.

Catlab - Consorci Sanitari de Terrassa
Classification: Uncertain significance for Hereditary cancer-predisposing syndrome. Last evaluated: 2025-08-24. Review status: criteria provided, single submitter. Criteria: ACMG Guidelines, 2015. Collection method: clinical testing. Allele origin: germline.
Comment: Based on the currently available information, this variant is classified as Uncertain Significance according to ACMG Richards 2015 guidelines. ACMG criteria: BP4, PM2_supp.

Molecular Diagnostics Laboratory, Catalan Institute of Oncology
Classification: Uncertain significance for Hereditary cancer-predisposing syndrome. Last evaluated: 2025-05-19. Review status: criteria provided, single submitter. Criteria: ACMG Guidelines, 2015. Collection method: clinical testing. Allele origin: germline.
Comment: BP4 MUTYH c.998-9C>T is an intronic variant located close to a canonical splice site. This variant is found in 56/106260, with a filter allele frequency of 0.038% in the gnomAD v2.1.1 database (European non Finnish non-cancer data set). The SpliceAI algorithm predicts no significant impact on splicing (BP4). To our knowledge, functional studies have not been reported for this variant. the variant was identified in the ClinVar database (11x likely benign, 3x uncertain significance, 2x benign) and (4x uncertain significance) in the LOVD database. Based on currently available information, the variant c.998-9C>T is classified as an uncertain significance variant according to ACMG guidelines.

Center for Genomic Medicine, Rigshospitalet, Copenhagen University Hospital
Classification: Likely benign. Last evaluated: 2025-03-04. Review status: criteria provided, single submitter. Criteria: ACMG Guidelines, 2015. Collection method: clinical testing. Allele origin: germline.

Quest Diagnostics Nichols Institute San Juan Capistrano
Classification: Likely benign. Last evaluated: 2025-01-28. Review status: criteria provided, single submitter. Criteria: Quest Diagnostics criteria. Collection method: clinical testing. Allele origin: unknown.

Blueprint Genetics
Classification: Likely benign. Last evaluated: 2024-10-14. Review status: criteria provided, single submitter. Criteria: ACMG Guidelines, 2015. Collection method: clinical testing. Allele origin: germline.

All of Us Research Program, National Institutes of Health
Classification: Likely benign for Familial adenomatous polyposis 2. Last evaluated: 2024-02-05. Review status: criteria provided, single submitter. Criteria: ACMG Guidelines, 2015. Collection method: clinical testing. Allele origin: germline. Inheritance: Autosomal recessive inheritance. Observed: 103 variant alleles, 103 heterozygotes.
Comment: This study involves interpretation of variants in research participants for the purpose of population health screening. Participant phenotype was not available at the time of variant classification. Additional details can be found in publication PMID: 35346344, PMCID: PMC8962531

ARUP Laboratories, Molecular Genetics and Genomics, ARUP Laboratories
Classification: Likely benign. Last evaluated: 2023-06-29. Review status: criteria provided, single submitter. Criteria: ARUP Molecular Germline Variant Investigation Process 2024. Collection method: clinical testing. Allele origin: germline.

Institute for Clinical Genetics, University Hospital TU Dresden, University Hospital TU Dresden
Classification: Uncertain significance. Last evaluated: 2021-11-03. Review status: criteria provided, single submitter. Criteria: ACMG Guidelines, 2015. Collection method: clinical testing. Allele origin: germline.

Sema4
Classification: Likely benign for Hereditary cancer-predisposing syndrome. Last evaluated: 2021-03-29. Review status: criteria provided, single submitter. Criteria: Sema4 Curation Guidelines. Collection method: curation. Allele origin: germline.

Ambry Genetics
Classification: Likely benign for Hereditary cancer-predisposing syndrome. Last evaluated: 2019-09-27. Review status: criteria provided, single submitter. Criteria: Ambry Variant Classification Scheme 2023. Collection method: clinical testing. Allele origin: germline.

Mendelics
Classification: Likely benign for Familial adenomatous polyposis 2. Last evaluated: 2019-05-28. Review status: criteria provided, single submitter. Criteria: Mendelics Assertion Criteria 2017. Collection method: clinical testing. Allele origin: unknown.

CeGaT Center for Human Genetics Tuebingen
Classification: Uncertain significance. Last evaluated: 2019-05-01. Review status: criteria provided, single submitter. Criteria: CeGaT Center For Human Genetics Tuebingen Variant Classification Criteria Version 2. Collection method: clinical testing. Allele origin: germline. Affected: yes. Observed: 1 variant allele.

Department of Pathology and Laboratory Medicine, Sinai Health System
Classification: Uncertain significance for Familial adenomatous polyposis 2. Last evaluated: 2019-04-01. Review status: criteria provided, single submitter. Criteria: ACMG Guidelines, 2015. Collection method: research. Allele origin: germline.

Illumina Laboratory Services, Illumina
Classification: Uncertain significance for Familial adenomatous polyposis 2. Last evaluated: 2018-10-02. Review status: criteria provided, single submitter. Criteria: ICSL Variant Classification Criteria 13 December 2019. Collection method: clinical testing. Allele origin: germline.
Comment: This variant was observed as part of a predisposition screen in an ostensibly healthy population. A literature search was performed for the gene, cDNA change, and amino acid change (where applicable). Publications were found based on this search. However, the evidence from the literature, in combination with allele frequency data from public databases where available, was not sufficient to rule this variant in or out of causing disease. Therefore, this variant is classified as a variant of unknown significance.

PreventionGenetics, part of Exact Sciences
Classification: Likely benign. Last evaluated: 2017-11-15. Review status: criteria provided, single submitter. Criteria: ACMG Guidelines, 2015. Collection method: clinical testing. Allele origin: germline.

Color Diagnostics, LLC DBA Color Health
Classification: Likely benign for Hereditary cancer-predisposing syndrome. Last evaluated: 2016-06-13. Review status: criteria provided, single submitter. Criteria: ACMG Guidelines, 2015. Collection method: clinical testing. Allele origin: germline.

GeneDx
Classification: Benign. Last evaluated: 2014-02-10. Review status: criteria provided, single submitter. Criteria: GeneDx Variant Classification (06012015). Collection method: clinical testing. Allele origin: germline. Affected: yes.
Comment: This variant is considered likely benign or benign based on one or more of the following criteria: it is a conservative change, it occurs at a poorly conserved position in the protein, it is predicted to be benign by multiple in silico algorithms, and/or has population frequency not consistent with disease.

Department of Pathology and Laboratory Medicine, Sinai Health System
Classification: Likely benign for Carcinoma of colon. Review status: no assertion criteria provided. Collection method: clinical testing. Allele origin: unknown. Affected: yes. Study: The Canadian Open Genetics Repository (COGR). Not counted in ClinVar's aggregate classification.
Comment: The MUTYH c.998-9C>T variant was identified in the heterozygous state in 3 of 3178 proband chromosomes (frequency: 0.0009) from individuals or families with Lynch syndrome-associated cancer and/or polyps, or FAP/AFAP (Yurgelun 2015, Aretz 2006). The variant was also identified in dbSNP (ID: rs3219488) as â€šÃ„ÃºWith other alleleâ€šÃ„Ã¹, ClinVar (classified as benign by GeneDx; as likely benign by Invitae, Color, Prevention Genetics and Quest Diagnostics Nichols Institute San Juan Capistrano; and as uncertain significance by Integrated Genetics/Laboratory Corporation of America). The variant was not identified in UMD-LSDB. The variant was identified in control databases in 103 of 251118 chromosomes at a frequency of 0.0004 (Genome Aggregation Database Feb 27, 2017). The variant was observed in the following populations: African in 1 of 22150 chromosomes (freq: 0.00005), Other in 9 of 5946 chromosomes (freq: 0.002), Latino in 20 of 31626 chromosomes (freq: 0.0006), European Non-Finnish in 62 of 112936 chromosomes (freq: 0.0005), East Asian in 10 of 17302 chromosomes (freq: 0.0006), and South Asian in 1 of 28788 chromosomes (freq: 0.00004), while not observed in the Ashkenazi Jewish or European Finnish populations. The variant occurs outside of the splicing consensus sequence and in silico or computational prediction software programs (SpliceSiteFinder, MaxEntScan, NNSPLICE, GeneSplicer) do not predict a difference in splicing. In summary, based on the above information, the clinical significance of this variant cannot be determined with certainty at this time although we would lean towards a more benign role for this variant. This variant is classified as likely benign.

Literature cited by the submitters: PubMed 25980754 (cited by 3 submitters); PubMed 16557584 (cited by 4 submitters); PubMed 17524638 (cited by 3 submitters); PubMed 17931073 (cited by Women's Health and Genetics/Laboratory Corporation of America, LabCorp and Quest Diagnostics Nichols Institute San Juan Capistrano); PubMed 25186627 (cited by Women's Health and Genetics/Laboratory Corporation of America, LabCorp and Quest Diagnostics Nichols Institute San Juan Capistrano); PubMed 34326862 (cited by Quest Diagnostics Nichols Institute San Juan Capistrano).